The following is an entry in ClinVar:

ClinVar aggregate classification (germline): Likely pathogenic (1 of 4 stars; one submission).

Conditions:
Joubert syndrome 9 (JBTS9). Identifiers: Orphanet 2318, MedGen C2676788, MONDO:0012849, OMIM 612285.

Submission:

3billion
Classification: Likely pathogenic for Joubert syndrome 9. Last evaluated: 2025-07-18. Review status: criteria provided, single submitter. Criteria: ACMG Guidelines, 2015. Collection method: clinical testing. Allele origin: germline. Affected: yes.
Comment: The variant is observed at an extremely low frequency in the gnomAD v4.1.0 dataset (total allele frequency: <0.001%). Predicted Consequence/Location: Stop-gained (nonsense): predicted to result in a loss or disruption of normal protein function through nonsense-mediated decay (NMD) or protein truncation. Multiple pathogenic variants are reported downstream of the variant. Therefore, this variant is classified as Likely pathogenic according to the recommendation of ACMG/AMP guideline.

NM_001378615.1(CC2D2A):c.4532G>A (p.Trp1511Ter)

Genes: CC2D2A (coiled-coil and C2 domain containing 2A; plus strand), FBXL5 (F-box and leucine rich repeat protein 5; minus strand). Cytogenetic location: 4p15.32.
Variant type: single nucleotide variant.
Coding change: c.4532G>A on transcript NM_001378615.1 (MANE Select); coding-DNA position 4532, G replaced by A.
Protein change: p.Trp1511Ter; replaces tryptophan 1511 with a stop codon.
Molecular consequence: nonsense.
Genome position (GRCh38, 1-based): chr4:15,599,564, G>A. VCF-style: chr4-15599564-G-A. GRCh37 (hg19) VCF-style: chr4-15601187-G-A.
Other names: c.4532G>A, p.Trp1511Ter (NM_001080522.2); c.4385G>A, p.Trp1462Ter (NM_001378617.1); short protein forms W1462*, W1511*.
Identifiers: ClinVar variation 4854754 (VCV004854754.1).